The following is an entry in ClinVar:

NC_000009.12:g.(?_214957)_(317148_?)dup

Genes: DOCK8 (dedicator of cytokinesis 8; plus strand), DOCK8-AS1 (DOCK8 antisense RNA 1; minus strand). Cytogenetic location: 9p24.3.
Variant type: Duplication.
Identifiers: ClinVar variation 831472 (VCV000831472.2).

ClinVar aggregate classification (germline): Uncertain significance (1 of 4 stars; one submission).

Conditions:
Combined immunodeficiency due to DOCK8 deficiency (HIES2). Also called: DOCK8 Deficiency; HIES autosomal recessive; Hyper-IgE recurrent infection syndrome, autosomal recessive; HYPER-IgE RECURRENT INFECTION SYNDROME 2, AUTOSOMAL RECESSIVE; HYPER-IgE SYNDROME 2, AUTOSOMAL RECESSIVE, WITH RECURRENT INFECTIONS. Identifiers: Orphanet 217390, MedGen C4722305, MONDO:0009478, OMIM 243700.

Submission:

Labcorp Genetics (formerly Invitae), Labcorp
Classification: Uncertain significance for Hyper-Immunoglobulin E Syndrome, Autosomal Recessive. Last evaluated: 2019-12-19. Review status: criteria provided, single submitter. Criteria: Invitae Variant Classification Sherloc (09022015). Collection method: clinical testing. Allele origin: germline.
Comment: This variant results in a copy number gain of the genomic region encompassing exons 1-7 of the DOCK8 gene, which includes the initiator codon. The 5' end of this event is unknown as it extends beyond the assayed region for this gene and therefore may encompass additional genes. The 3' boundary is likely confined to intron 7 of the DOCK8 gene. As the precise location of this event is unknown, it may be in tandem or it may be located elsewhere in the genome. This variant has not been reported in the literature in individuals with DOCK8-related conditions. In summary, the available evidence is currently insufficient to determine the role of this variant in disease. Therefore, it has been classified as a Variant of Uncertain Significance.